The following is an entry in ClinVar:

NM_005589.4(ALDH6A1):c.410A>C (p.Asp137Ala)

Genes: BBOF1 (basal body orientation factor 1; plus strand), ALDH6A1 (aldehyde dehydrogenase 6 family member A1; minus strand). Cytogenetic location: 14q24.3.
Variant type: single nucleotide variant.
Coding change: c.410A>C on transcript NM_005589.4 (MANE Select); coding-DNA position 410, A replaced by C.
Protein change: p.Asp137Ala; replaces aspartic acid 137 with alanine.
Molecular consequence: missense variant. On other transcripts: 5 prime UTR variant (1).
Genome position (GRCh38, 1-based): chr14:74,071,913, T>G on the plus strand (A>C on the coding strand, the complement: ALDH6A1 is on the minus strand). VCF-style: chr14-74071913-T-G. GRCh37 (hg19) VCF-style: chr14-74538616-T-G.
Other names: c.371A>C, p.Asp124Ala (NM_001278593.2); c.-216A>C (NM_001278594.2); short protein forms D124A, D137A.
Identifiers: ClinVar variation 4883029 (VCV004883029.2).

ClinVar aggregate classification (germline): Uncertain significance (1 of 4 stars; one submission).

gnomAD v4.1: 12 of 1,614,168 alleles (0.00074%); highest among the groups gnomAD compares: Middle Eastern, 0.016%; no homozygotes.

Submission:

Dasa
Classification: Uncertain significance. Last evaluated: 2025-07-30. Review status: criteria provided, single submitter. Criteria: DASA Assertion Criteria. Collection method: clinical testing. Allele origin: germline.
Comment: NM_005589.4(ALDH6A1):c.410A>C (p.Asp137Ala) is a missense variant that results in the substitution of aspartic acid with alanine. This variant is rare in population databases. Computational prediction algorithms are consistent with a deleterious effect. The currently available literature and clinical evidence are not sufficient to establish a definitive association between this variant and the reported condition. Therefore, this variant is classified as a variant of uncertain significance.